The following is an entry in ClinVar:

NM_014915.3(ANKRD26):c.3845G>T (p.Arg1282Ile)

Gene: ANKRD26 (ankyrin repeat domain 26; minus strand). Cytogenetic location: 10p12.1.
Variant type: single nucleotide variant.
Coding change: c.3845G>T on transcript NM_014915.3 (MANE Select); coding-DNA position 3845, G replaced by T.
Protein change: p.Arg1282Ile; replaces arginine 1282 with isoleucine.
Molecular consequence: missense variant.
Genome position (GRCh38, 1-based): chr10:27,029,319, C>A on the plus strand (G>T on the coding strand, the complement: ANKRD26 is on the minus strand). VCF-style: chr10-27029319-C-A. GRCh37 (hg19) VCF-style: chr10-27318248-C-A.
Other names: c.3842G>T, p.Arg1281Ile (NM_001256053.2); short protein forms R1281I, R1282I.
Identifiers: ClinVar variation 2817608 (VCV002817608.4), dbSNP rs1289561945, ClinGen allele CA376360561.
Genomic context (GRCh38, chr10:27,029,319, plus strand): 5'-TTTTCTGTGTGCTGCTTTAAATTTTACTTTTGCTTGTGATCTTGCATCTTCTCAGCACAT[C>A]TGACAGCTTCTGTATGTCGATCCTGTGCTTCTTGCAACTAAAACAAAGAATAAAAAAAAC-3'
Protein context (NP_055730.2, residues 1272-1292): EAQDRHTEAV[Arg1282Ile]CAEKMQDHKQ

ClinVar aggregate classification (germline): Uncertain significance. Review status: criteria provided, multiple submitters, no conflicts (2 of 4 stars). 2 submissions from 2 submitters: Uncertain significance (2). Last evaluated 2026-08-11.

Conditions:
Inborn genetic diseases. Identifiers: MedGen C0950123, MeSH D030342.

Allele frequency attached by ClinVar (database versions not stated): gnomAD 0.00001; TOPMed below 0.00001.
gnomAD v4.1: 1 of 1,612,798 alleles (0.000062%); highest among the groups gnomAD compares: Non-Finnish European, 0.000085%; no homozygotes.

Submissions (2):

Ambry Genetics
Classification: Uncertain significance for Inborn genetic diseases. Last evaluated: 2026-08-11. Review status: criteria provided, single submitter. Criteria: Ambry Variant Classification Scheme 2023. Collection method: clinical testing. Allele origin: germline.
Comment: The p.R1282I variant (also known as c.3845G>T), located in coding exon 26 of the ANKRD26 gene, results from a G to T substitution at nucleotide position 3845. The arginine at codon 1282 is replaced by isoleucine, an amino acid with similar properties. This amino acid position is conserved. In addition, this alteration is predicted to be tolerated by in silico analysis. Based on the available evidence, the clinical significance of this variant remains unclear.

Labcorp Genetics (formerly Invitae), Labcorp
Classification: Uncertain significance. Last evaluated: 2022-11-30. Review status: criteria provided, single submitter. Criteria: Invitae Variant Classification Sherloc (09022015). Collection method: clinical testing. Allele origin: germline.
Comment: This sequence change replaces arginine, which is basic and polar, with isoleucine, which is neutral and non-polar, at codon 1282 of the ANKRD26 protein (p.Arg1282Ile). In summary, the available evidence is currently insufficient to determine the role of this variant in disease. Therefore, it has been classified as a Variant of Uncertain Significance. Algorithms developed to predict the effect of missense changes on protein structure and function are either unavailable or do not agree on the potential impact of this missense change (SIFT: "Tolerated"; PolyPhen-2: "Possibly Damaging"; Align-GVGD: "Class C0"). This variant has not been reported in the literature in individuals affected with ANKRD26-related conditions. This variant is not present in population databases (gnomAD no frequency).